The following is an entry in ClinVar:

ClinVar aggregate classification (germline): Uncertain significance (1 of 4 stars; one submission).

Allele frequency attached by ClinVar (database versions not stated): gnomAD 0.00005; TOPMed 0.00005; ExAC 0.00012; 1000 Genomes Project 30x 0.00031; 1000 Genomes Project 0.00040.
gnomAD v4.1: 54 of 1,613,856 alleles (0.0033%); highest among the groups gnomAD compares: South Asian, 0.033%; no homozygotes.

Submission:

Labcorp Genetics (formerly Invitae), Labcorp
Classification: Uncertain significance. Last evaluated: 2025-01-05. Review status: criteria provided, single submitter. Criteria: Invitae Variant Classification Sherloc (09022015). Collection method: clinical testing. Allele origin: germline.
Comment: This sequence change replaces valine, which is neutral and non-polar, with isoleucine, which is neutral and non-polar, at codon 1089 of the BRD4 protein (p.Val1089Ile). This variant is present in population databases (rs567489459, gnomAD 0.04%), and has an allele count higher than expected for a pathogenic variant. This variant has not been reported in the literature in individuals affected with BRD4-related conditions. ClinVar contains an entry for this variant (Variation ID: 1977263). An algorithm developed to predict the effect of missense changes on protein structure and function (PolyPhen-2) suggests that this variant is likely to be tolerated. In summary, the available evidence is currently insufficient to determine the role of this variant in disease. Therefore, it has been classified as a Variant of Uncertain Significance.

NM_001379291.1(BRD4):c.3265G>A (p.Val1089Ile)

Gene: BRD4 (bromodomain containing 4; minus strand). Cytogenetic location: 19p13.12.
Variant type: single nucleotide variant.
Coding change: c.3265G>A on transcript NM_001379291.1 (MANE Select); coding-DNA position 3265, G replaced by A.
Protein change: p.Val1089Ile; replaces valine 1089 with isoleucine.
Molecular consequence: missense variant.
Genome position (GRCh38, 1-based): chr19:15,239,927, C>T on the plus strand (G>A on the coding strand, the complement: BRD4 is on the minus strand). VCF-style: chr19-15239927-C-T. GRCh37 (hg19) VCF-style: chr19-15350738-C-T.
Other names: c.3265G>A, p.Val1089Ile (NM_058243.3); short protein forms V1089I.
Identifiers: ClinVar variation 1977263 (VCV001977263.5), dbSNP rs567489459, ClinGen allele CA9264748.